The following is an entry in ClinVar:

ClinVar aggregate classification (germline): Uncertain significance (1 of 4 stars; one submission).

gnomAD v4.1: 1 of 1,612,624 alleles (0.000062%); highest among the groups gnomAD compares: Non-Finnish European, 0.000085%; no homozygotes.

Submission:

Labcorp Genetics (formerly Invitae), Labcorp
Classification: Uncertain significance. Last evaluated: 2025-03-14. Review status: criteria provided, single submitter. Criteria: Invitae Variant Classification Sherloc (09022015). Collection method: clinical testing. Allele origin: germline.
Comment: This sequence change replaces valine, which is neutral and non-polar, with leucine, which is neutral and non-polar, at codon 1640 of the CHD5 protein (p.Val1640Leu). This variant is not present in population databases (gnomAD no frequency). This variant has not been reported in the literature in individuals affected with CHD5-related conditions. Invitae Evidence Modeling of protein sequence and biophysical properties (such as structural, functional, and spatial information, amino acid conservation, physicochemical variation, residue mobility, and thermodynamic stability) indicates that this missense variant is not expected to disrupt CHD5 protein function with a negative predictive value of 80%. In summary, the available evidence is currently insufficient to determine the role of this variant in disease. Therefore, it has been classified as a Variant of Uncertain Significance.

NM_015557.3(CHD5):c.4918G>T (p.Val1640Leu)

Gene: CHD5 (chromodomain helicase DNA binding protein 5; minus strand). Cytogenetic location: 1p36.31.
Variant type: single nucleotide variant.
Coding change: c.4918G>T on transcript NM_015557.3 (MANE Select); coding-DNA position 4918, G replaced by T.
Protein change: p.Val1640Leu; replaces valine 1640 with leucine.
Molecular consequence: missense variant.
Genome position (GRCh38, 1-based): chr1:6,112,993, C>A on the plus strand (G>T on the coding strand, the complement: CHD5 is on the minus strand). VCF-style: chr1-6112993-C-A. GRCh37 (hg19) VCF-style: chr1-6173053-C-A.
Other names: short protein forms V1640L.
Identifiers: ClinVar variation 4741007 (VCV004741007.1).